The following is an entry in ClinVar:

NM_002204.4(ITGA3):c.2577_2583+13del

Gene: ITGA3 (integrin subunit alpha 3; plus strand). Cytogenetic location: 17q21.33.
Variant type: Deletion.
Coding change: c.2577_2583+13del on transcript NM_002204.4 (MANE Select); coding-DNA position 2577 through 13 bases into the intron after coding-DNA position 2583, 20 bases deleted (TCTTTCTGTAAGGACACTAT).
Molecular consequence: splice donor variant.
Genome position (GRCh38, 1-based): chr17:50,079,252-50,079,271, TCTTTCTGTAAGGACACTAT deleted. VCF-style (leftmost placement, unchanged base first): chr17-50079251-CTCTTTCTGTAAGGACACTAT-C. GRCh37 (hg19) VCF-style: chr17-48156615-CTCTTTCTGTAAGGACACTAT-C.
Other names: c.2577_2583+13del20 (NM_002204.4).
Identifiers: ClinVar variation 4535843 (VCV004535843.1).
Genomic context (GRCh38, chr17:50,079,251, plus strand): 5'-ATGGCAATGGGTCCTGGCCCTGCCGACCACCTGGAGACCTTATCAACCCTCTCAACCTCA[CTCTTTCTGTAAGGACACTAT>C]CAGGGATATTTCATTTGCATGCTACAGGGCAGAAAGGCCAGTGTCTTCCCCTCCCTCCCC-3'

ClinVar aggregate classification (germline): Pathogenic (1 of 4 stars; one submission).

Conditions:
Epidermolysis bullosa, junctional 7, with interstitial lung disease and nephrotic syndrome. Also called: Interstitial lung disease, nephrotic syndrome, and epidermolysis bullosa, congenital; Interstitial Lung Disease with Nephrotic Syndrome and Epidermolysis Bullosa. Identifiers: Orphanet 306504, MedGen C4518785, MONDO:0013881, OMIM 614748.

Submission:

Women's Health and Genetics/Laboratory Corporation of America, LabCorp
Classification: Pathogenic for Epidermolysis bullosa, junctional 7, with interstitial lung disease and nephrotic syndrome. Last evaluated: 2025-09-30. Review status: criteria provided, single submitter. Criteria: LabCorp Variant Classification Summary - May 2015. Collection method: clinical testing. Allele origin: germline.
Comment: Variant summary: ITGA3 c.2577_2583+13del20 is located in a canonical splice-site and is predicted to affect mRNA splicing resulting in a significantly altered protein due to either exon skipping, shortening, or inclusion of intronic material. Variants that disrupt the consensus splice site are a relatively common cause of aberrant splicing and loss of ITGA3 function. Several computational tools predict a significant impact on normal splicing: Three predict the variant abolishes a 5' splicing donor site. Four predict the variant creates a 3' acceptor site. However, these predictions have yet to be confirmed by functional studies. The variant was absent in 250940 control chromosomes (gnomAD). To our knowledge, no occurrence of c.2577_2583+13del20 in individuals affected with ITGA3-related conditions and no experimental evidence demonstrating its impact on protein function have been reported. No submitters have cited clinical-significance assessments for this variant to ClinVar. Based on the evidence outlined above, the variant was classified as pathogenic.